The following is an entry in ClinVar:

ClinVar aggregate classification (germline): Uncertain significance (1 of 4 stars; one submission).

Conditions:
Cardiovascular phenotype. Identifiers: MedGen CN230736.

gnomAD v4.1: 14 of 1,613,532 alleles (0.00087%); highest among the groups gnomAD compares: East Asian, 0.029%; no homozygotes.

Submission:

Ambry Genetics
Classification: Uncertain significance for Cardiovascular phenotype. Last evaluated: 2024-11-10. Review status: criteria provided, single submitter. Criteria: Ambry Variant Classification Scheme 2023. Collection method: clinical testing. Allele origin: germline.
Comment: The p.S2979F variant (also known as c.8936C>T), located in coding exon 25 of the TNXB gene, results from a C to T substitution at nucleotide position 8936. The serine at codon 2979 is replaced by phenylalanine, an amino acid with highly dissimilar properties. This amino acid position is conserved. In addition, this alteration is predicted to be tolerated by in silico analysis. Based on the available evidence, the clinical significance of this variant remains unclear.

NM_001365276.2(TNXB):c.8942C>T (p.Ser2981Phe)

Gene: TNXB (tenascin XB; minus strand). Cytogenetic location: 6p21.33.
Variant type: single nucleotide variant.
Coding change: c.8942C>T on transcript NM_001365276.2 (MANE Select); coding-DNA position 8942, C replaced by T.
Protein change: p.Ser2981Phe; replaces serine 2981 with phenylalanine.
Molecular consequence: missense variant.
Genome position (GRCh38, 1-based): chr6:32,052,843, G>A on the plus strand (C>T on the coding strand, the complement: TNXB is on the minus strand). VCF-style: chr6-32052843-G-A. GRCh37 (hg19) VCF-style: chr6-32020620-G-A.
Other names: c.9683C>T, p.Ser3228Phe (NM_001428335.1); c.8936C>T, p.Ser2979Phe (NM_019105.8); short protein forms S3228F, S2979F, S2981F.
Identifiers: ClinVar variation 3459908 (VCV003459908.1).